The following is an entry in ClinVar:

ClinVar aggregate classification (germline): Benign (1 of 4 stars; one submission).

Conditions:
Familial adenomatous polyposis 1 (FAP1). Also called: FAMILIAL ADENOMATOUS POLYPOSIS 1, ATTENUATED; POLYPOSIS, ADENOMATOUS INTESTINAL. Identifiers: MedGen C2713442, MONDO:0021056, OMIM 175100. Disease mechanism: loss of function.

Submission:

Myriad Genetics, Inc.
Classification: Benign for Familial adenomatous polyposis 1. Last evaluated: 2024-04-11. Review status: criteria provided, single submitter. Criteria: Myriad Autosomal Dominant, Autosomal Recessive and X-Linked Classification Criteria (2023). Collection method: clinical testing. Allele origin: unknown.
Comment: This variant is considered benign. This variant is a silent/synonymous amino acid change and it is not expected to impact splicing.

NM_000038.6(APC):c.7950T>G (p.Ala2650=)

Gene: APC (APC regulator of Wnt signaling pathway; plus strand). Cytogenetic location: 5q22.2.
Variant type: single nucleotide variant.
Coding change: c.7950T>G on transcript NM_000038.6 (MANE Select); coding-DNA position 7950, T replaced by G.
Protein change: p.Ala2650=; no amino-acid change (alanine 2650 retained).
Molecular consequence: synonymous variant. On other transcripts: non-coding transcript variant (2).
Genome position (GRCh38, 1-based): chr5:112,843,544, T>G. VCF-style: chr5-112843544-T-G. GRCh37 (hg19) VCF-style: chr5-112179241-T-G.
Other names: c.7950T>G, p.Ala2650= (NM_001127510.3, NM_001354895.2, NM_001407450.1); c.7896T>G, p.Ala2632= (NM_001127511.3); c.8004T>G, p.Ala2668= (NM_001354896.2, NM_001407447.1, NM_001407448.1 and 1 more transcripts); c.7980T>G, p.Ala2660= (NM_001354897.2); c.7875T>G, p.Ala2625= (NM_001354898.2); c.7866T>G, p.Ala2622= (NM_001354899.2); c.7827T>G, p.Ala2609= (NM_001354900.2); c.7773T>G, p.Ala2591= (NM_001354901.2, NM_001407453.1); and 11 more.
Identifiers: ClinVar variation 3254094 (VCV003254094.1), dbSNP rs1554088784.